The following is an entry in ClinVar:

NM_005422.4(TECTA):c.5026A>T (p.Met1676Leu)

Genes: TBCEL-TECTA (TBCEL-TECTA readthrough; plus strand), TECTA (tectorin alpha; plus strand). Cytogenetic location: 11q23.3.
Variant type: single nucleotide variant.
Coding change: c.5026A>T on transcript NM_005422.4 (MANE Select); coding-DNA position 5026, A replaced by T.
Protein change: p.Met1676Leu; replaces methionine 1676 with leucine.
Molecular consequence: missense variant.
Genome position (GRCh38, 1-based): chr11:121,162,124, A>T. VCF-style: chr11-121162124-A-T. GRCh37 (hg19) VCF-style: chr11-121032833-A-T.
Other names: c.5968A>T, p.Met1990Leu (NM_001378761.1); short protein forms M1676L, M1990L.
Identifiers: ClinVar variation 3634411 (VCV003634411.2).
Genomic context (GRCh38, chr11:121,162,124, plus strand): 5'-AGTCTGACCAGACCTCTTGCCCCCAGCTGCAACGAGCTGCAGTTCTCACAGTATGCAGCC[A>T]TGTGTGACAATGTGCACATCCAGAAGATGCAGGGTGATGGCTACTGCCTGAAGCTCACCG-3'
Protein context (NP_005413.2, residues 1666-1686): NELQFSQYAA[Met1676Leu]CDNVHIQKMQ

ClinVar aggregate classification (germline): Uncertain significance (1 of 4 stars; one submission).

Submission:

Labcorp Genetics (formerly Invitae), Labcorp
Classification: Uncertain significance. Last evaluated: 2024-04-25. Review status: criteria provided, single submitter. Criteria: Invitae Variant Classification Sherloc (09022015). Collection method: clinical testing. Allele origin: germline.
Comment: This sequence change replaces methionine, which is neutral and non-polar, with leucine, which is neutral and non-polar, at codon 1676 of the TECTA protein (p.Met1676Leu). This variant is not present in population databases (gnomAD no frequency). This variant has not been reported in the literature in individuals affected with TECTA-related conditions. Advanced modeling of protein sequence and biophysical properties (such as structural, functional, and spatial information, amino acid conservation, physicochemical variation, residue mobility, and thermodynamic stability) performed at Invitae indicates that this missense variant is not expected to disrupt TECTA protein function with a negative predictive value of 95%. In summary, the available evidence is currently insufficient to determine the role of this variant in disease. Therefore, it has been classified as a Variant of Uncertain Significance.